The following is an entry in ClinVar:

ClinVar aggregate classification (germline): Conflicting classifications of pathogenicity. Review status: criteria provided, conflicting classifications (1 of 4 stars). 2 submissions from 2 submitters: Likely pathogenic (1); Uncertain significance (1). Last evaluated 2025-02-13.

Conditions:
Malignant hyperthermia of anesthesia. Also called: Anesthesic-triggered malignant hyperthermia. Identifiers: Orphanet 423, MedGen C0024591, MONDO:0018493, HP:0034733.

Submissions (2):

Revvity Omics, Revvity
Classification: Uncertain significance. Last evaluated: 2025-02-13. Review status: criteria provided, single submitter. Criteria: ACMG Guidelines, 2015. Collection method: clinical testing. Allele origin: germline.

Women's Health and Genetics/Laboratory Corporation of America, LabCorp
Classification: Likely pathogenic for Malignant hyperthermia of anesthesia. Last evaluated: 2022-06-23. Review status: criteria provided, single submitter. Criteria: LabCorp Variant Classification Summary - May 2015. Collection method: clinical testing. Allele origin: germline.
Comment: Variant summary: RYR1 c.14763C>G (p.Phe4921Leu) results in a non-conservative amino acid change located in the RIH domain (IPR000699) of the encoded protein sequence. Five of five in-silico tools predict a damaging effect of the variant on protein function. The variant was absent in 250982 control chromosomes (gnomAD). c.14763C>G has been reported in the literature in individuals affected with Central Core Disease and ryanodine receptor 1-related congenital myopathies, including one de novo case (examples: Leao_2020 and Todd_2018). These data indicate that the variant may be associated with disease. No clinical diagnostic laboratories have submitted clinical-significance assessments for this variant to ClinVar after 2014. Based on the evidence outlined above, the variant was classified as likely pathogenic.

Literature cited by the submitters: PubMed 33458582 (cited by Women's Health and Genetics/Laboratory Corporation of America, LabCorp); PubMed 29556213 (cited by Women's Health and Genetics/Laboratory Corporation of America, LabCorp).

NM_000540.3(RYR1):c.14763C>G (p.Phe4921Leu)

Gene: RYR1 (ryanodine receptor 1; plus strand). Cytogenetic location: 19q13.2.
Variant type: single nucleotide variant.
Coding change: c.14763C>G on transcript NM_000540.3 (MANE Select); coding-DNA position 14763, C replaced by G.
Protein change: p.Phe4921Leu; replaces phenylalanine 4921 with leucine.
Molecular consequence: missense variant.
Genome position (GRCh38, 1-based): chr19:38,585,059, C>G. VCF-style: chr19-38585059-C-G. GRCh37 (hg19) VCF-style: chr19-39075699-C-G.
Other names: c.14748C>G, p.Phe4916Leu (NM_001042723.2); short protein forms F4916L, F4921L.
Identifiers: ClinVar variation 1698620 (VCV001698620.3), dbSNP rs1974410266, ClinGen allele CA405690891.